The following is an entry in ClinVar:

ClinVar aggregate classification (germline): Likely benign. Review status: criteria provided, multiple submitters, no conflicts (2 of 4 stars). 3 submissions from 3 submitters: Likely benign (3). Last evaluated 2026-04-27.

Conditions:
Cardiovascular phenotype. Identifiers: MedGen CN230736.
Dilated cardiomyopathy 1G (CMD1G). Identifiers: Orphanet 154, MedGen C1858763, MONDO:0011400, OMIM 604145.
Autosomal recessive limb-girdle muscular dystrophy type 2J (LGMDR10). Also called: MUSCULAR DYSTROPHY, LIMB-GIRDLE, AUTOSOMAL RECESSIVE 10; Limb-girdle muscular dystrophy, type 2J. Identifiers: Orphanet 140922, MedGen C1837342, MONDO:0012127, OMIM 608807.

Allele frequency attached by ClinVar (database versions not stated): gnomAD exomes below 0.00001; gnomAD 0.00001; TOPMed 0.00001.
gnomAD v4.1: 2 of 1,613,186 alleles (0.00012%); highest among the groups gnomAD compares: African/African-American, 0.0027%; no homozygotes.

Submissions (3):

Ambry Genetics
Classification: Likely benign for Cardiovascular phenotype. Last evaluated: 2026-04-27. Review status: criteria provided, single submitter. Criteria: Ambry Variant Classification Scheme 2023. Collection method: clinical testing. Allele origin: germline.

CeGaT Center for Human Genetics Tuebingen
Classification: Likely benign. Last evaluated: 2025-04-01. Review status: criteria provided, single submitter. Criteria: CeGaT Center For Human Genetics Tuebingen Variant Classification Criteria Version 2. Collection method: clinical testing. Allele origin: germline. Affected: yes. Observed: 2 variant alleles.
Comment: TTN: BP4, BP7

Labcorp Genetics (formerly Invitae), Labcorp
Classification: Likely benign for Dilated cardiomyopathy 1G; Autosomal recessive limb-girdle muscular dystrophy type 2J. Last evaluated: 2023-12-11. Review status: criteria provided, single submitter. Criteria: Invitae Variant Classification Sherloc (09022015). Collection method: clinical testing. Allele origin: germline.

NM_001267550.2(TTN):c.66324A>G (p.Lys22108=)

Genes: TTN (titin; minus strand), TTN-AS1 (TTN antisense RNA 1; plus strand). Cytogenetic location: 2q31.2.
Variant type: single nucleotide variant.
Coding change: c.66324A>G on transcript NM_001267550.2 (MANE Select); coding-DNA position 66324, A replaced by G.
Protein change: p.Lys22108=; no amino-acid change (lysine 22108 retained).
Molecular consequence: synonymous variant.
Genome position (GRCh38, 1-based): chr2:178,582,045, T>C on the plus strand (A>G on the coding strand, the complement: TTN is on the minus strand). VCF-style: chr2-178582045-T-C. GRCh37 (hg19) VCF-style: chr2-179446772-T-C.
Other names: c.61401A>G, p.Lys20467= (NM_001256850.1); c.39129A>G, p.Lys13043= (NM_003319.4); c.58620A>G, p.Lys19540= (NM_133378.4); c.39504A>G, p.Lys13168= (NM_133432.3); c.39705A>G, p.Lys13235= (NM_133437.4).
Identifiers: ClinVar variation 1130111 (VCV001130111.43), dbSNP rs1321492026, ClinGen allele CA430262618.